The following is an entry in ClinVar:

ClinVar aggregate classification (germline): Uncertain significance (1 of 4 stars; one submission).

Submission:

Labcorp Genetics (formerly Invitae), Labcorp
Classification: Uncertain significance. Last evaluated: 2024-03-05. Review status: criteria provided, single submitter. Criteria: Invitae Variant Classification Sherloc (09022015). Collection method: clinical testing. Allele origin: germline.
Comment: This sequence change falls in intron 41 of the CNOT1 gene. It does not directly change the encoded amino acid sequence of the CNOT1 protein. This variant is not present in population databases (gnomAD no frequency). This variant has not been reported in the literature in individuals affected with CNOT1-related conditions. Experimental studies and prediction algorithms are not available or were not evaluated, and the effect of this variant on mRNA splicing is currently unknown. In summary, the available evidence is currently insufficient to determine the role of this variant in disease. Therefore, it has been classified as a Variant of Uncertain Significance.

NM_016284.5(CNOT1):c.6060-23_6060-9dup

Gene: CNOT1 (CCR4-NOT transcription complex subunit 1; minus strand). Cytogenetic location: 16q21.
Variant type: Duplication.
Coding change: c.6060-23_6060-9dup on transcript NM_016284.5 (MANE Select); 23 bases into the intron before coding-DNA position 6060 through 9 bases into the intron before coding-DNA position 6060, 15 bases duplicated (GACTAAGGTTTTTCT).
Molecular consequence: intron variant.
Genome position (GRCh38, 1-based): chr16:58,532,084-58,532,098, AGAAAAACCTTAGTC duplicated on the plus strand (GACTAAGGTTTTTCT on the coding strand, the reverse complement: CNOT1 is on the minus strand); duplicating any 15 consecutive bases within chr16:58,532,084-58,532,102 gives the same sequence; the c. name uses the placement nearest the transcript's 3' end. VCF-style (leftmost placement, unchanged base first): chr16-58532083-A-AAGAAAAACCTTAGTC. GRCh37 (hg19) VCF-style: chr16-58565987-A-AAGAAAAACCTTAGTC.
Other names: c.6045-23_6045-9dup (NM_001265612.2).
Identifiers: ClinVar variation 3644664 (VCV003644664.2).